The following is an entry in ClinVar:

ClinVar aggregate classification (germline): Uncertain significance (1 of 4 stars; one submission).

Conditions:
Tuberous sclerosis 1 (TSC1). Identifiers: Orphanet 805, MedGen C1854465, MONDO:0008612, OMIM 191100.

Submission:

Labcorp Genetics (formerly Invitae), Labcorp
Classification: Uncertain significance for Tuberous sclerosis 1. Last evaluated: 2022-01-12. Review status: criteria provided, single submitter. Criteria: Invitae Variant Classification Sherloc (09022015). Collection method: clinical testing. Allele origin: germline.
Comment: In summary, the available evidence is currently insufficient to determine the role of this variant in disease. Therefore, it has been classified as a Variant of Uncertain Significance. Algorithms developed to predict the effect of missense changes on protein structure and function are either unavailable or do not agree on the potential impact of this missense change (SIFT: "Tolerated"; PolyPhen-2: "Possibly Damaging"; Align-GVGD: "Class C0"). ClinVar contains an entry for this variant (Variation ID: 844993). This variant has not been reported in the literature in individuals affected with TSC1-related conditions. This variant is not present in population databases (gnomAD no frequency). This sequence change replaces serine, which is neutral and polar, with threonine, which is neutral and polar, at codon 102 of the TSC1 protein (p.Ser102Thr).

NM_000368.5(TSC1):c.304T>A (p.Ser102Thr)

Gene: TSC1 (TSC complex subunit 1; minus strand). Cytogenetic location: 9q34.13.
Variant type: single nucleotide variant.
Coding change: c.304T>A on transcript NM_000368.5 (MANE Select); coding-DNA position 304, T replaced by A.
Protein change: p.Ser102Thr; replaces serine 102 with threonine.
Molecular consequence: missense variant. On other transcripts: 5 prime UTR variant (1), intron variant (1).
Genome position (GRCh38, 1-based): chr9:132,925,646, A>T on the plus strand (T>A on the coding strand, the complement: TSC1 is on the minus strand). VCF-style: chr9-132925646-A-T. GRCh37 (hg19) VCF-style: chr9-135801033-A-T.
Other names: c.304T>A, p.Ser102Thr (NM_001162426.2); c.-60T>A (NM_001362177.2); c.210+1555T>A (NM_001162427.2); short protein forms S102T.
Identifiers: ClinVar variation 844993 (VCV000844993.11), dbSNP rs796053453, ClinGen allele CA375374516.